The following is an entry in ClinVar:

ClinVar aggregate classification (germline): Pathogenic (1 of 4 stars; one submission).

Submission:

Labcorp Genetics (formerly Invitae), Labcorp
Classification: Pathogenic. Last evaluated: 2020-07-02. Review status: criteria provided, single submitter. Criteria: Invitae Variant Classification Sherloc (09022015). Collection method: clinical testing. Allele origin: germline.
Comment: For these reasons, this variant has been classified as Pathogenic. Loss-of-function variants in XPA are known to be pathogenic (PMID: 27607234). This variant has not been reported in the literature in individuals with XPA-related conditions. This variant is not present in population databases (ExAC no frequency). This sequence change creates a premature translational stop signal (p.Leu38Profs*22) in the XPA gene. It is expected to result in an absent or disrupted protein product.

Literature cited by the submitters: PubMed 27607234.

NM_000380.4(XPA):c.113_117del (p.Leu38fs)

Gene: XPA (XPA, DNA damage recognition and repair factor; minus strand). Cytogenetic location: 9q22.33.
Variant type: Deletion.
Coding change: c.113_117del on transcript NM_000380.4 (MANE Select); coding-DNA positions 113 to 117, 5 bases deleted (TGCGC; older notation c.113_117delTGCGC).
Protein change: p.Leu38fs; shifts the reading frame from leucine 38.
Molecular consequence: frameshift variant. On other transcripts: 5 prime UTR variant (1), non-coding transcript variant (5).
Genome position (GRCh38, 1-based): chr9:97,697,176-97,697,180, GCGCA deleted on the plus strand (TGCGC on the coding strand, the reverse complement: XPA is on the minus strand); deleting any 5 consecutive bases within chr9:97,697,176-97,697,182 gives the same sequence; the c. name uses the placement nearest the transcript's 3' end. VCF-style (leftmost placement, unchanged base first): chr9-97697175-GGCGCA-G. GRCh37 (hg19) VCF-style: chr9-100459457-GGCGCA-G.
Other names: c.-1037_-1033del (NM_001354975.2); short protein forms L38fs.
Identifiers: ClinVar variation 1070563 (VCV001070563.7), dbSNP rs2131411372, ClinGen allele CA2499220103.
Genomic context (GRCh38, chr9:97,697,175, plus strand): 5'-CCAAACCTCCAGTAGCCGCAGCCGCCGTCGCCGAGTAGGGCCGGGCAGCCAGCCGGGCCT[GGCGCA>G]GCATCAGTGCCCGCTGCCGCTTCCGCTCGATACTCGCCCGCACCGAGGCAGGCAGCTCCG-3'